The following is an entry in ClinVar:

ClinVar aggregate classification (germline): drug response. Review status: reviewed by expert panel (3 of 4 stars). 2 submissions from 1 submitter: drug response (2). Last evaluated 2023-01-20.

Conditions:
fentanyl response - Dosage. Identifiers: MedGen CN236531.
tacrolimus response - Metabolism/PK.

Allele frequency attached by ClinVar (database versions not stated): gnomAD exomes 0.13521; gnomAD 0.31208; TOPMed 0.34717; 1000 Genomes Project 30x 0.43410; ExAC 0.22929; ESP Exome Variant Server 0.30532; 1000 Genomes Project 0.42173.
gnomAD v4.1: 247,257 of 1,613,368 alleles (15%); highest among the groups gnomAD compares: African/African-American, 74%; 39,387 homozygotes.

Submissions (2):

ClinPGx
Classification: drug response for tacrolimus response - Metabolism/PK. Last evaluated: 2023-01-20. Review status: reviewed by expert panel. Criteria: Pharmacogenomics knowledge for personalized medicine. Collection method: curation. Allele origin: germline. Affected: yes.
Comment: PharmGKB Level of Evidence 2A: Variants in Level 2A clinical annotations are found in PharmGKB’s Tier 1 Very Important Pharmacogenes (VIPs). These variants are in known pharmacogenes, implying causation of drug phenotype is more likely. These clinical annotations describe variant-drug combinations with a moderate level of evidence supporting the association. For example, the association may be found in multiple cohorts, but there may be a minority of studies that do not support the majority assertion. Level 2A clinical annotations must be supported by at least two independent publications.

Drug is not necessarily used to treat response condition

ClinPGx
Classification: drug response for fentanyl response - Dosage. Last evaluated: 2023-01-17. Review status: reviewed by expert panel. Criteria: Pharmacogenomics knowledge for personalized medicine. Collection method: curation. Allele origin: germline. Affected: yes.
Comment: the same text as in the submission from ClinPGx above.

Literature cited by the submitters: PubMed 21635144; PubMed 22108237; PubMed 23459029; PubMed 24189425; PubMed 24465960; PubMed 26227094; PubMed 26228923; PubMed 28112181; PubMed 29318894; PubMed 31401678; PubMed 31588879; PubMed 19784640; PubMed 21223952; PubMed 21513075; PubMed 21535061; PubMed 25794200; PubMed 29601950.

NM_017460.6(CYP3A4):c.1026+12G>A

Genes: CYP3A4 (cytochrome P450 family 3 subfamily A member 4; minus strand), LOC110366355 (enhancer in intron 10 of CYP3A4; plus strand). Cytogenetic location: 7q22.1.
Variant type: single nucleotide variant.
Coding change: c.1026+12G>A on transcript NM_017460.6 (MANE Select); 12 bases into the intron after coding-DNA position 1026, G replaced by A.
Molecular consequence: intron variant.
Genome position (GRCh38, 1-based): chr7:99,763,843, C>T on the plus strand (G>A on the coding strand, the complement: CYP3A4 is on the minus strand). VCF-style: chr7-99763843-C-T. GRCh37 (hg19) VCF-style: chr7-99361466-C-T.
Other names: c.1023+12G>A (NM_001202855.3).
Identifiers: ClinVar variation 2502287 (VCV002502287.1), dbSNP rs2242480, ClinGen allele CA4369585.